The following is an entry in ClinVar:

NM_001278293.3(ARL6):c.296G>A (p.Arg99Lys)

Gene: ARL6 (ARF like GTPase 6; plus strand). Cytogenetic location: 3q11.2.
Variant type: single nucleotide variant.
Coding change: c.296G>A on transcript NM_001278293.3 (MANE Select); coding-DNA position 296, G replaced by A.
Protein change: p.Arg99Lys; replaces arginine 99 with lysine.
Molecular consequence: missense variant. On other transcripts: non-coding transcript variant (7).
Genome position (GRCh38, 1-based): chr3:97,784,996, G>A. VCF-style: chr3-97784996-G-A. GRCh37 (hg19) VCF-style: chr3-97503840-G-A.
Other names: c.296G>A, p.Arg99Lys (NM_001323513.2, NM_001323514.2, NM_032146.5 and 1 more transcripts); short protein forms R99K.
Identifiers: ClinVar variation 2148212 (VCV002148212.2), dbSNP rs762984313, ClinGen allele CA2505922.

ClinVar aggregate classification (germline): Uncertain significance. Review status: criteria provided, single submitter (1 of 4 stars). 2 submissions from 2 submitters: Uncertain significance (1). 1 of the submissions does not count toward it. Last evaluated 2022-04-24.

Conditions:
ARL6-related disorder. Also called: ARL6-related condition.
Bardet-Biedl syndrome 3 (BBS3). Identifiers: Orphanet 110, MedGen C1859564, MONDO:0010832, OMIM 600151.
Retinitis pigmentosa 55 (RP55). Identifiers: Orphanet 791, MedGen C3150808, MONDO:0013312, OMIM 613575.

Allele frequency attached by ClinVar (database versions not stated): gnomAD exomes below 0.00001; TOPMed below 0.00001; ExAC 0.00001.
gnomAD v4.1: 2 of 1,613,056 alleles (0.00012%); highest among the groups gnomAD compares: African/African-American, 0.0013%; no homozygotes.

Submissions (2):

Labcorp Genetics (formerly Invitae), Labcorp
Classification: Uncertain significance for Retinitis pigmentosa 55; Bardet-Biedl syndrome 3. Last evaluated: 2022-04-24. Review status: criteria provided, single submitter. Criteria: Invitae Variant Classification Sherloc (09022015). Collection method: clinical testing. Allele origin: germline.
Comment: This sequence change replaces arginine, which is basic and polar, with lysine, which is basic and polar, at codon 99 of the ARL6 protein (p.Arg99Lys). This variant is present in population databases (rs762984313, gnomAD 0.0009%). This variant has not been reported in the literature in individuals affected with ARL6-related conditions. Algorithms developed to predict the effect of missense changes on protein structure and function output the following: SIFT: "Tolerated"; PolyPhen-2: "Benign"; Align-GVGD: "Class C0". The lysine amino acid residue is found in multiple mammalian species, which suggests that this missense change does not adversely affect protein function. In summary, the available evidence is currently insufficient to determine the role of this variant in disease. Therefore, it has been classified as a Variant of Uncertain Significance.

PreventionGenetics, part of Exact Sciences
Classification: Uncertain significance for ARL6-related condition. Last evaluated: 2024-09-03. Review status: no assertion criteria provided. Collection method: clinical testing. Allele origin: germline. Not counted in ClinVar's aggregate classification.
Comment: The ARL6 c.296G>A variant is predicted to result in the amino acid substitution p.Arg99Lys. To our knowledge, this variant has not been reported in the literature or in gnomAD, indicating this variant is rare. At this time, the clinical significance of this variant is uncertain due to the absence of conclusive functional and genetic evidence.